The following is an entry in ClinVar:

NM_001114753.3(ENG):c.808C>A (p.Gln270Lys)

Gene: ENG (endoglin; minus strand). Cytogenetic location: 9q34.11.
Variant type: single nucleotide variant.
Coding change: c.808C>A on transcript NM_001114753.3 (MANE Select); coding-DNA position 808, C replaced by A.
Protein change: p.Gln270Lys; replaces glutamine 270 with lysine.
Molecular consequence: missense variant.
Genome position (GRCh38, 1-based): chr9:127,825,239, G>T on the plus strand (C>A on the coding strand, the complement: ENG is on the minus strand). VCF-style: chr9-127825239-G-T. GRCh37 (hg19) VCF-style: chr9-130587518-G-T.
Other names: c.262C>A, p.Gln88Lys (NM_001278138.2); c.808C>A, p.Gln270Lys (NM_001406715.1, NM_000118.4); short protein forms Q270K, Q88K.
Identifiers: ClinVar variation 3628137 (VCV003628137.2).

ClinVar aggregate classification (germline): Uncertain significance (1 of 4 stars; one submission).

Conditions:
Hereditary hemorrhagic telangiectasia (HHT). Also called: ORW DISEASE; Osler Weber Rendu syndrome; OSLER-RENDU-WEBER DISEASE; Osler hemorrhagic telangiectasia syndrome. Identifiers: Orphanet 774, MedGen C0039445, MONDO:0019180. Disease mechanism: loss of function.

gnomAD v4.1: 2 of 1,613,004 alleles (0.00012%); highest among the groups gnomAD compares: Non-Finnish European, 0.00017%; no homozygotes.

Submission:

Labcorp Genetics (formerly Invitae), Labcorp
Classification: Uncertain significance for Hereditary hemorrhagic telangiectasia. Last evaluated: 2024-12-15. Review status: criteria provided, single submitter. Criteria: Invitae Variant Classification Sherloc (09022015). Collection method: clinical testing. Allele origin: germline.
Comment: This sequence change replaces glutamine, which is neutral and polar, with lysine, which is basic and polar, at codon 270 of the ENG protein (p.Gln270Lys). This variant is not present in population databases (gnomAD no frequency). This variant has not been reported in the literature in individuals affected with ENG-related conditions. An algorithm developed to predict the effect of missense changes on protein structure and function outputs the following: PolyPhen-2: "Benign". The lysine amino acid residue is found in multiple mammalian species, which suggests that this missense change does not adversely affect protein function. In summary, the available evidence is currently insufficient to determine the role of this variant in disease. Therefore, it has been classified as a Variant of Uncertain Significance.